The following is an entry in ClinVar:

ClinVar aggregate classification (germline): Conflicting classifications of pathogenicity. Review status: criteria provided, conflicting classifications (1 of 4 stars). 2 submissions from 2 submitters: Uncertain significance (1); Likely benign (1). Last evaluated 2025-01-27.

Conditions:
Inborn genetic diseases. Identifiers: MedGen C0950123, MeSH D030342.

gnomAD v4.1: 2 of 1,613,060 alleles (0.00012%); highest among the groups gnomAD compares: African/African-American, 0.0013%; no homozygotes.

Submissions (2):

Ambry Genetics
Classification: Likely benign for Inborn genetic diseases. Last evaluated: 2025-01-27. Review status: criteria provided, single submitter. Criteria: Ambry Variant Classification Scheme 2023. Collection method: clinical testing. Allele origin: germline.

Labcorp Genetics (formerly Invitae), Labcorp
Classification: Uncertain significance. Last evaluated: 2023-07-16. Review status: criteria provided, single submitter. Criteria: Invitae Variant Classification Sherloc (09022015). Collection method: clinical testing. Allele origin: germline.
Comment: In summary, the available evidence is currently insufficient to determine the role of this variant in disease. Therefore, it has been classified as a Variant of Uncertain Significance. An algorithm developed to predict the effect of missense changes on protein structure and function (PolyPhen-2) suggests that this variant is likely to be tolerated. This variant has not been reported in the literature in individuals affected with DDX41-related conditions. This variant is not present in population databases (gnomAD no frequency). This sequence change replaces glutamic acid, which is acidic and polar, with glutamine, which is neutral and polar, at codon 7 of the DDX41 protein (p.Glu7Gln).

NM_016222.4(DDX41):c.19G>C (p.Glu7Gln)

Gene: DDX41 (DEAD-box helicase 41; minus strand). Cytogenetic location: 5q35.3.
Variant type: single nucleotide variant.
Coding change: c.19G>C on transcript NM_016222.4 (MANE Select); coding-DNA position 19, G replaced by C.
Protein change: p.Glu7Gln; replaces glutamic acid 7 with glutamine.
Molecular consequence: missense variant. On other transcripts: 5 prime UTR variant (2).
Genome position (GRCh38, 1-based): chr5:177,516,927, C>G on the plus strand (G>C on the coding strand, the complement: DDX41 is on the minus strand). VCF-style: chr5-177516927-C-G. GRCh37 (hg19) VCF-style: chr5-176943928-C-G.
Other names: c.19G>C (NM_016222.2); c.-637G>C (NM_001321732.2); c.-429G>C (NM_001321830.2); short protein forms E7Q.
Identifiers: ClinVar variation 2743842 (VCV002743842.4), dbSNP rs749405703, ClinGen allele CA132896497.